The following is an entry in ClinVar:

ClinVar aggregate classification (germline): Uncertain significance (1 of 4 stars; one submission).

Conditions:
PLXNA3-related disorder. Also called: PLXNA3-related condition.

gnomAD v4.1: 1 of 1,210,260 alleles (0.000083%); highest among the groups gnomAD compares: African/African-American, 0.0017%; no homozygotes.

Submission:

PreventionGenetics, part of Exact Sciences
Classification: Uncertain significance for PLXNA3-related condition. Last evaluated: 2025-04-11. Review status: criteria provided, single submitter. Criteria: ACMG Guidelines, 2015. Collection method: clinical testing. Allele origin: germline.
Comment: The PLXNA3 c.2547G>A variant is not predicted to result in an amino acid change (p.=). Based on available splicing prediction programs (Alamut Visual v1.6.1; SpliceAI, Jaganathan et al. 2019. PubMed ID: 30661751), this variant is predicted to create a cryptic splice acceptor site; however, the use of computer prediction programs is not equivalent to functional evidence. To our knowledge, this variant has not been reported in the literature or in a large population database (gnomAD), indicating this variant is rare. At this time, the clinical significance of this variant is uncertain due to the absence of conclusive functional and genetic evidence.

NM_017514.5(PLXNA3):c.2547G>A (p.Val849=)

Gene: PLXNA3 (plexin A3; plus strand). Cytogenetic location: Xq28.
Variant type: single nucleotide variant.
Coding change: c.2547G>A on transcript NM_017514.5 (MANE Select); coding-DNA position 2547, G replaced by A.
Protein change: p.Val849=; no amino-acid change (valine 849 retained).
Molecular consequence: synonymous variant.
Genome position (GRCh38, 1-based): chrX:154,465,949, G>A. VCF-style: chrX-154465949-G-A. GRCh37 (hg19) VCF-style: chrX-153694292-G-A.
Identifiers: ClinVar variation 3349427 (VCV003349427.2).
Genomic context (GRCh38, chrX:154,465,949, plus strand): 5'-CCTGGGAGTCTGAGCCAACTCTCTCACTGCCCATCCTGCTCCACAGATCCACCCTCTCGT[G>A]GGGCCCAAGGAAGGAGGCACCCGGGTCACCATCGTGGGTGAGAACCTGGGCCTCTTGTCC-3'
Protein context (NP_059984.3, residues 839-859): HPRITQIHPL[Val849=]GPKEGGTRVT